The following is an entry in ClinVar:

GRCh37/hg19 12p12.1(chr12:23961188-24011932)x1

Gene: SOX5 (SRY-box transcription factor 5; minus strand). Cytogenetic location: 12p12.1.
Variant type: copy number loss.
Change: copy number 1 (one copy instead of two) of chr12:23,961,188-24,011,932 (50.7 kb, GRCh37 coordinates, 1-based), cytogenetic band 12p12.1.
Identifiers: ClinVar variation 1340259 (VCV001340259.1).

ClinVar aggregate classification (germline): Likely pathogenic (0 of 4 stars; one submission).

Submission:

Quest Diagnostics Nichols Institute San Juan Capistrano
Classification: Likely pathogenic. Last evaluated: 2021-05-01. Review status: no assertion criteria provided. Collection method: clinical testing. Allele origin: germline.
Comment: The copy number loss of 12p12.1 includes an internal segment of SOX5 gene. It is uncertain if SOX5 gene expression has been altered by the partial deletion and alternative splicing results in multiple transcripts of this gene. Haploinsufficiency of SOX5 through loss of function variation or whole and intragenic deletion is associated with the autosomal dominant Lamb-Shaffer syndrome (OMIM #616803). This is a neurodevelopmental disorder characterized by global developmental delay, intellectual disability, poor expressive speech, and mild dysmorphic facial features. Variable skeletal abnormalities may also be present (Nesbitt et al., Am J Med Genet A. 2015 Nov;167A(11):2548-54. PMID: 26111154; Schanze et al., Eur J Med Genet. 2013 Feb;56(2):108-13., PMID: 23220431; Lamb, et al., Hum Mutat. 2012 Apr;33(4):728-40. PMID: 22290657). Of note, the smallest intragenic SOX5 deletion in the published literature is currently 53 kbs and involves only exon 3. The phenotype of the patient was considered severe (Lee et al. Pediatr Neurol. 2013 Apr;48(4):317-20. PMID: 23498568). Thus, based on literature review and that this partial deletion of the SOX5 gene could result in haploinsufficiency, the clinical significance of this CNV is interpreted as likely pathogenic.